The following is an entry in ClinVar:

NM_001972.4(ELANE):c.602A>T (p.Asp201Val)

Gene: ELANE (elastase, neutrophil expressed; plus strand). Cytogenetic location: 19p13.3.
Variant type: single nucleotide variant.
Coding change: c.602A>T on transcript NM_001972.4 (MANE Select); coding-DNA position 602, A replaced by T.
Protein change: p.Asp201Val; replaces aspartic acid 201 with valine.
Molecular consequence: missense variant.
Genome position (GRCh38, 1-based): chr19:855,962, A>T. VCF-style: chr19-855962-A-T. GRCh37 (hg19) VCF-style: chr19-855962-A-T.
Other names: short protein forms D201V.
Identifiers: ClinVar variation 4788854 (VCV004788854.1).
Genomic context (GRCh38, chr19:855,962, plus strand): 5'-CGGGCAGGTGGGCAGGGCCTCGCAGTCCAGCTTCCCCACCTTGTCTGCCTCCACAGGGGG[A>T]CTCCGGCAGCCCCTTGGTCTGCAACGGGCTAATCCACGGAATTGCCTCCTTCGTCCGGGG-3'
Protein context (NP_001963.1, residues 191-211): RGRQAGVCFG[Asp201Val]SGSPLVCNGL

ClinVar aggregate classification (germline): Uncertain significance (1 of 4 stars; one submission).

Conditions:
Neutropenia, severe congenital, 1, autosomal dominant. Identifiers: MedGen C1859966, MONDO:0042490, OMIM 202700.
Cyclical neutropenia. Also called: Cyclic hematopoiesis; Cyclic Neutropenia. Identifiers: Orphanet 2686, MedGen C0221023, MONDO:0008090, OMIM 162800, HP:0040289. Disease mechanism: loss of function.

gnomAD v4.1: 3 of 1,613,100 alleles (0.00019%); highest among the groups gnomAD compares: Non-Finnish European, 0.00025%; no homozygotes.

Submission:

Labcorp Genetics (formerly Invitae), Labcorp
Classification: Uncertain significance for Neutropenia, severe congenital, 1, autosomal dominant; Cyclical neutropenia. Last evaluated: 2025-03-05. Review status: criteria provided, single submitter. Criteria: Invitae Variant Classification Sherloc (09022015). Collection method: clinical testing. Allele origin: germline.
Comment: This sequence change replaces aspartic acid, which is acidic and polar, with valine, which is neutral and non-polar, at codon 201 of the ELANE protein (p.Asp201Val). This variant is not present in population databases (gnomAD no frequency). This variant has not been reported in the literature in individuals affected with ELANE-related conditions. Invitae Evidence Modeling of protein sequence and biophysical properties (such as structural, functional, and spatial information, amino acid conservation, physicochemical variation, residue mobility, and thermodynamic stability) indicates that this missense variant is expected to disrupt ELANE protein function with a positive predictive value of 95%. In summary, the available evidence is currently insufficient to determine the role of this variant in disease. Therefore, it has been classified as a Variant of Uncertain Significance.